The following is an entry in ClinVar:

ClinVar aggregate classification (germline): Uncertain significance (1 of 4 stars; one submission).

Conditions:
Epileptic encephalopathy. Identifiers: MedGen C0543888, HP:0200134.

Allele frequency attached by ClinVar (database versions not stated): TOPMed 0.00001; gnomAD 0.00002.
gnomAD v4.1: 38 of 1,611,608 alleles (0.0024%); highest among the groups gnomAD compares: East Asian, 0.049%; no homozygotes.

Submission:

Labcorp Genetics (formerly Invitae), Labcorp
Classification: Uncertain significance for Epileptic encephalopathy. Last evaluated: 2025-12-13. Review status: criteria provided, single submitter. Criteria: Invitae Variant Classification Sherloc (09022015). Collection method: clinical testing. Allele origin: germline.
Comment: This sequence change replaces arginine, which is basic and polar, with histidine, which is basic and polar, at codon 2413 of the FASN protein (p.Arg2413His). This variant is present in population databases (rs557050126, gnomAD 0.03%). This variant has not been reported in the literature in individuals affected with FASN-related conditions. ClinVar contains an entry for this variant (Variation ID: 1008829). An algorithm developed to predict the effect of missense changes on protein structure and function (PolyPhen-2) suggests that this variant is likely to be tolerated. In summary, the available evidence is currently insufficient to determine the role of this variant in disease. Therefore, it has been classified as a Variant of Uncertain Significance.

NM_004104.5(FASN):c.7238G>A (p.Arg2413His)

Genes: FASN (fatty acid synthase; minus strand), LOC129390948 (MPRA-validated peak3028 silencer; plus strand). Cytogenetic location: 17q25.3.
Variant type: single nucleotide variant.
Coding change: c.7238G>A on transcript NM_004104.5 (MANE Select); coding-DNA position 7238, G replaced by A.
Protein change: p.Arg2413His; replaces arginine 2413 with histidine.
Molecular consequence: missense variant.
Genome position (GRCh38, 1-based): chr17:82,079,517, C>T on the plus strand (G>A on the coding strand, the complement: FASN is on the minus strand). VCF-style: chr17-82079517-C-T. GRCh37 (hg19) VCF-style: chr17-80037393-C-T.
Other names: short protein forms R2413H.
Identifiers: ClinVar variation 1008829 (VCV001008829.9), dbSNP rs557050126, ClinGen allele CA8851058.